The following is an entry in ClinVar:

NM_001378454.1(ALMS1):c.3746A>G (p.Tyr1249Cys)

Gene: ALMS1 (ALMS1 centrosome and basal body associated protein; plus strand). Cytogenetic location: 2p13.1.
Variant type: single nucleotide variant.
Coding change: c.3746A>G on transcript NM_001378454.1 (MANE Select); coding-DNA position 3746, A replaced by G.
Protein change: p.Tyr1249Cys; replaces tyrosine 1249 with cysteine.
Molecular consequence: missense variant.
Genome position (GRCh38, 1-based): chr2:73,450,273, A>G. VCF-style: chr2-73450273-A-G. GRCh37 (hg19) VCF-style: chr2-73677400-A-G.
Other names: c.3749A>G, p.Tyr1250Cys (NM_015120.4); short protein forms Y1249C, Y1250C.
Identifiers: ClinVar variation 4726507 (VCV004726507.1).

ClinVar aggregate classification (germline): Uncertain significance (1 of 4 stars; one submission).

Conditions:
Alstrom syndrome (ALMS). Identifiers: Orphanet 64, MedGen C0268425, MONDO:0008763, OMIM 203800.

gnomAD v4.1: 1 of 1,614,060 alleles (0.000062%); highest among the groups gnomAD compares: Non-Finnish European, 0.000085%; no homozygotes.

Submission:

Labcorp Genetics (formerly Invitae), Labcorp
Classification: Uncertain significance for Alstrom syndrome. Last evaluated: 2025-09-03. Review status: criteria provided, single submitter. Criteria: Invitae Variant Classification Sherloc (09022015). Collection method: clinical testing. Allele origin: germline.
Comment: This sequence change replaces tyrosine, which is neutral and polar, with cysteine, which is neutral and slightly polar, at codon 1250 of the ALMS1 protein (p.Tyr1250Cys). This variant is not present in population databases (gnomAD no frequency). This variant has not been reported in the literature in individuals affected with ALMS1-related conditions. Experimental studies and prediction algorithms are not available or were not evaluated, and the functional significance of this variant is currently unknown. In summary, the available evidence is currently insufficient to determine the role of this variant in disease. Therefore, it has been classified as a Variant of Uncertain Significance.